The following is an entry in ClinVar:

NM_005431.2(XRCC2):c.181C>A (p.Leu61Ile)

Gene: XRCC2 (X-ray repair cross complementing 2; minus strand). Cytogenetic location: 7q36.1.
Variant type: single nucleotide variant.
Coding change: c.181C>A on transcript NM_005431.2 (MANE Select); coding-DNA position 181, C replaced by A.
Protein change: p.Leu61Ile; replaces leucine 61 with isoleucine.
Molecular consequence: missense variant.
Genome position (GRCh38, 1-based): chr7:152,649,304, G>T on the plus strand (C>A on the coding strand, the complement: XRCC2 is on the minus strand). VCF-style: chr7-152649304-G-T. GRCh37 (hg19) VCF-style: chr7-152346389-G-T.
Other names: short protein forms L61I.
Identifiers: ClinVar variation 245958 (VCV000245958.17), dbSNP rs569810249, ClinGen allele CA4582377.
Genomic context (GRCh38, chr7:152,649,304, plus strand): 5'-TAAATAAGACTTCTACTTCCAGGCCACCTTCTGATTTGGGAAGTATACATCGTGCTGTTA[G>T]GTGATAAAGCATTTCTGTTTTTCCTGTTCCTTCTGGGCCATGAAATTCAAGAATATCACC-3'
Protein context (NP_005422.1, residues 51-71): GTGKTEMLYH[Leu61Ile]TARCILPKSE

ClinVar aggregate classification (germline): Conflicting classifications of pathogenicity. Review status: criteria provided, conflicting classifications (1 of 4 stars). 5 submissions from 5 submitters: Uncertain significance (3); Likely benign (1). 1 of the submissions does not count toward it. Last evaluated 2024-11-04.

Conditions:
Fanconi anemia complementation group U. Identifiers: MedGen C4310651, MONDO:0014987, OMIM 617247.
Hereditary cancer-predisposing syndrome. Also called: Tumor predisposition; Neoplastic Syndromes, Hereditary; Hereditary Cancer Syndrome; Hereditary neoplastic syndrome. Identifiers: Orphanet 140162, MedGen C0027672, MeSH D009386, MONDO:0015356.

Allele frequency attached by ClinVar (database versions not stated): gnomAD exomes below 0.00001 and 0.00001; TOPMed below 0.00001; gnomAD 0.00001 and 0.00002; ExAC 0.00003; 1000 Genomes Project 30x 0.00016; 1000 Genomes Project 0.00020.
gnomAD v4.1: 4 of 1,612,304 alleles (0.00025%); highest among the groups gnomAD compares: East Asian, 0.0089%; no homozygotes.

Submissions (5):

Labcorp Genetics (formerly Invitae), Labcorp
Classification: Uncertain significance. Last evaluated: 2024-11-04. Review status: criteria provided, single submitter. Criteria: Invitae Variant Classification Sherloc (09022015). Collection method: clinical testing. Allele origin: germline.
Comment: This sequence change replaces leucine, which is neutral and non-polar, with isoleucine, which is neutral and non-polar, at codon 61 of the XRCC2 protein (p.Leu61Ile). This variant is present in population databases (rs569810249, gnomAD 0.02%). This missense change has been observed in individual(s) with breast cancer and stomach cancer (PMID: 22464251, 26689913). ClinVar contains an entry for this variant (Variation ID: 245958). Invitae Evidence Modeling of protein sequence and biophysical properties (such as structural, functional, and spatial information, amino acid conservation, physicochemical variation, residue mobility, and thermodynamic stability) indicates that this missense variant is not expected to disrupt XRCC2 protein function with a negative predictive value of 80%. Experimental studies have shown that this missense change does not substantially affect XRCC2 function (PMID: 27233470). In summary, the available evidence is currently insufficient to determine the role of this variant in disease. Therefore, it has been classified as a Variant of Uncertain Significance.

Ambry Genetics
Classification: Likely benign for Hereditary cancer-predisposing syndrome. Last evaluated: 2022-04-29. Review status: criteria provided, single submitter. Criteria: Ambry Variant Classification Scheme 2023. Collection method: clinical testing. Allele origin: germline.

Fulgent Genetics
Classification: Uncertain significance for Fanconi anemia complementation group U. Last evaluated: 2018-10-31. Review status: criteria provided, single submitter. Criteria: ACMG Guidelines, 2015. Collection method: clinical testing. Allele origin: unknown.

GeneDx
Classification: Uncertain significance. Last evaluated: 2017-10-16. Review status: criteria provided, single submitter. Criteria: GeneDx Variant Classification (06012015). Collection method: clinical testing. Allele origin: germline. Affected: yes.
Comment: This variant is denoted XRCC2 c.181C>A at the cDNA level, p.Leu61Ile (L61I) at the protein level, and results in the change of a Leucine to an Isoleucine (CTA>ATA). This variant has been observed in individuals with breast cancer and stomach cancer (Park 2012, Lu 2015). Functional assays suggest this variant is able to restore RAD512C foci formation and restore homologous recombination efficiency similar to wild type (Hilbers 2016). XRCC2 Leu61Ile was not observed at a significant frequency in large population cohorts (Lek 2016). Since Leucine and Isoleucine share similar properties, this is considered a conservative amino acid substitution. XRCC2 Leu61Ile occurs at a position that is conserved across species and is not located in a known functional domain. In silico analyses are inconsistent regarding the effect this variant may have on protein structure and function. Based on currently available evidence, it is unclear whether XRCC2 Leu61Ile is pathogenic or benign.

Leiden Open Variation Database
Classification: Uncertain significance. Last evaluated: 2012-05-02. Review status: no assertion criteria provided. Collection method: curation. Allele origin: germline. Affected: yes. Not counted in ClinVar's aggregate classification.
Comment: Curator: Arleen D. Auerbach. Submitter to LOVD: Johan den Dunnen.

Literature cited by the submitters: PubMed 22464251 (cited by 3 submitters); PubMed 26689913 (cited by Labcorp Genetics (formerly Invitae), Labcorp); PubMed 27233470 (cited by Labcorp Genetics (formerly Invitae), Labcorp and Ambry Genetics).